The following is an entry in ClinVar:

NM_001384732.1(CPLANE1):c.6998_7005del (p.Ser2333fs)

Gene: CPLANE1 (ciliogenesis and planar polarity effector complex subunit 1; minus strand). Cytogenetic location: 5p13.2.
Variant type: Deletion.
Coding change: c.6998_7005del on transcript NM_001384732.1 (MANE Select); coding-DNA positions 6998 to 7005, 8 bases deleted (CAGTGTTT; older notation c.6998_7005delCAGTGTTT).
Protein change: p.Ser2333fs; shifts the reading frame from serine 2333.
Molecular consequence: frameshift variant.
Genome position (GRCh38, 1-based): chr5:37,169,019-37,169,026, AAACACTG deleted on the plus strand (CAGTGTTT on the coding strand, the reverse complement: CPLANE1 is on the minus strand); deleting any 8 consecutive bases within chr5:37,169,019-37,169,028 gives the same sequence; the c. name uses the placement nearest the transcript's 3' end. VCF-style (leftmost placement, unchanged base first): chr5-37169018-TAAACACTG-T. GRCh37 (hg19) VCF-style: chr5-37169120-TAAACACTG-T.
Other names: c.6998_7005del, p.Ser2333fs (NM_023073.4); short protein forms S2333fs.
Identifiers: ClinVar variation 2909444 (VCV002909444.3), dbSNP rs1779043930, ClinGen allele CA1539666989.

ClinVar aggregate classification (germline): Pathogenic (1 of 4 stars; one submission).

Submission:

Labcorp Genetics (formerly Invitae), Labcorp
Classification: Pathogenic. Last evaluated: 2025-07-20. Review status: criteria provided, single submitter. Criteria: Invitae Variant Classification Sherloc (09022015). Collection method: clinical testing. Allele origin: germline.
Comment: This sequence change creates a premature translational stop signal (p.Ser2333Tyrfs*8) in the CPLANE1 gene. It is expected to result in an absent or disrupted protein product. Loss-of-function variants in CPLANE1 are known to be pathogenic (PMID: 24178751, 26092869). This variant is not present in population databases (gnomAD no frequency). This variant has not been reported in the literature in individuals affected with CPLANE1-related conditions. ClinVar contains an entry for this variant (Variation ID: 2909444). For these reasons, this variant has been classified as Pathogenic.

Literature cited by the submitters: PubMed 24178751; PubMed 26092869.